The following is an entry in ClinVar:

NM_006269.2(RP1):c.5032C>T (p.Gln1678Ter)

Genes: RP1 (RP1 axonemal microtubule associated; plus strand), LOC126860392 (CDK7 strongly-dependent group 2 enhancer GRCh37_chr8:55541319-55542518; plus strand). Cytogenetic location: 8q12.1.
Variant type: single nucleotide variant.
Coding change: c.5032C>T on transcript NM_006269.2 (MANE Select); coding-DNA position 5032, C replaced by T.
Protein change: p.Gln1678Ter; replaces glutamine 1678 with a stop codon.
Molecular consequence: nonsense. On other transcripts: intron variant (1).
Genome position (GRCh38, 1-based): chr8:54,628,914, C>T. VCF-style: chr8-54628914-C-T. GRCh37 (hg19) VCF-style: chr8-55541474-C-T.
Other names: c.787+6626C>T (NM_001375654.1); short protein forms Q1678*.
Identifiers: ClinVar variation 3544491 (VCV003544491.1).

ClinVar aggregate classification (germline): Likely pathogenic (1 of 4 stars; one submission).

Conditions:
Retinitis pigmentosa (RP). Identifiers: Orphanet 791, MedGen C0035334, MeSH D012174, MONDO:0019200, OMIM 268000. Inheritance: Autosomal dominant, autosomal recessive and X linked inheritance.

gnomAD v4.1: 1 of 1,613,986 alleles (0.000062%); highest among the groups gnomAD compares: Non-Finnish European, 0.000085%; no homozygotes.

Submission:

Lab De Baere, Eye and Developmental Genetics Lab, Ghent University
Classification: Likely pathogenic for Retinitis pigmentosa. Last evaluated: 2024-10-01. Review status: criteria provided, single submitter. Criteria: ACMG Guidelines, 2015. Collection method: research. Allele origin: inherited. Affected: yes. Observed: 1 variant allele.
Comment: ACMG/AMP guidelines: PM2_PP, PP4_PP, PVS1_PS2, PM3_PP